The following is an entry in ClinVar:

NM_016219.5(MAN1B1):c.1932C>T (p.Val644=)

Gene: MAN1B1 (mannosidase alpha class 1B member 1; plus strand). Cytogenetic location: 9q34.3.
Variant type: single nucleotide variant.
Coding change: c.1932C>T on transcript NM_016219.5 (MANE Select); coding-DNA position 1932, C replaced by T.
Protein change: p.Val644=; no amino-acid change (valine 644 retained).
Molecular consequence: synonymous variant. On other transcripts: non-coding transcript variant (2).
Genome position (GRCh38, 1-based): chr9:137,108,423, C>T. VCF-style: chr9-137108423-C-T. GRCh37 (hg19) VCF-style: chr9-140002875-C-T.
Identifiers: ClinVar variation 129576 (VCV000129576.54), dbSNP rs34355967, ClinGen allele CA153655.
Genomic context (GRCh38, chr9:137,108,423, plus strand): 5'-TGACGAGGCCCTGGCTGCTGCACAGGTCCCCTCGGGTGGCTATTCTTCCATCAACAATGT[C>T]CAGGATCCTCAGAAGCCCGAGCCTAGGGACAAGATGGAGAGCTTCTTCCTGGGGGAGACG-3'
Protein context (NP_057303.2, residues 634-654): PSGGYSSINN[Val644=]QDPQKPEPRD

ClinVar aggregate classification (germline): Benign/Likely benign. Review status: criteria provided, multiple submitters, no conflicts (2 of 4 stars). 9 submissions from 9 submitters: Benign (5); Likely benign (3). 1 of the submissions does not count toward it. Last evaluated 2026-08-01.

Conditions:
MAN1B1-related disorder. Also called: MAN1B1-related disorders; MAN1B1-related condition.
Inborn genetic diseases. Identifiers: MedGen C0950123, MeSH D030342.
Rafiq syndrome (RAFQS). Identifiers: Orphanet 88616, MedGen C3280127, MONDO:0013624, OMIM 614202.

Allele frequency attached by ClinVar (database versions not stated): 1000 Genomes Project 0.00419; gnomAD 0.00892; TOPMed 0.00925; ESP Exome Variant Server 0.00938; 1000 Genomes Project 30x 0.00406.
gnomAD v4.1: 20,080 of 1,613,816 alleles (1.2%); highest among the groups gnomAD compares: Non-Finnish European, 1.5%; 162 homozygotes.

Submissions (9):

CeGaT Center for Human Genetics Tuebingen
Classification: Benign. Last evaluated: 2026-08-01. Review status: criteria provided, single submitter. Criteria: CeGaT Center For Human Genetics Tuebingen Variant Classification Criteria Version 2. Collection method: clinical testing. Allele origin: germline. Affected: yes. Observed: 20 variant alleles.
Comment: MAN1B1: BP4, BS1, BS2

Labcorp Genetics (formerly Invitae), Labcorp
Classification: Benign for Rafiq syndrome. Last evaluated: 2026-01-31. Review status: criteria provided, single submitter. Criteria: Invitae Variant Classification Sherloc (09022015). Collection method: clinical testing. Allele origin: germline.

Fulgent Genetics
Classification: Likely benign for Rafiq syndrome. Last evaluated: 2021-09-10. Review status: criteria provided, single submitter. Criteria: ACMG Guidelines, 2015. Collection method: clinical testing. Allele origin: unknown.

GeneDx
Classification: Likely benign. Last evaluated: 2020-08-10. Review status: criteria provided, single submitter. Criteria: GeneDx Variant Classification Process June 2021. Collection method: clinical testing. Allele origin: germline. Affected: yes.

Illumina Laboratory Services, Illumina
Classification: Benign for Rafiq syndrome. Last evaluated: 2018-01-13. Review status: criteria provided, single submitter. Criteria: ICSL Variant Classification Criteria 13 December 2019. Collection method: clinical testing. Allele origin: germline.
Comment: This variant was observed in the ICSL laboratory as part of a predisposition screen in an ostensibly healthy population. It had not been previously curated by ICSL or reported in the Human Gene Mutation Database (HGMD: prior to June 1st, 2018), and was therefore a candidate for classification through an automated scoring system. Utilizing variant allele frequency, disease prevalence and penetrance estimates, and inheritance mode, an automated score was calculated to assess if this variant is too frequent to cause the disease. Based on the score and internal cut-off values, a variant classified as benign is not then subjected to further curation. The score for this variant resulted in a classification of benign for this disease.

Ambry Genetics
Classification: Benign for Inborn genetic diseases. Last evaluated: 2016-08-12. Review status: criteria provided, single submitter. Criteria: Ambry Variant Classification Scheme 2023. Collection method: clinical testing. Allele origin: germline.

Genetic Services Laboratory, University of Chicago
Classification: Benign. Last evaluated: 2015-05-11. Review status: criteria provided, single submitter. Criteria: ACMG Guidelines, 2015. Collection method: clinical testing. Allele origin: germline.

Breakthrough Genomics
Classification: Likely benign. Review status: criteria provided, single submitter. Criteria: ACMG Guidelines, 2015. Collection method: not provided. Allele origin: germline. Inheritance: Autosomal recessive inheritance. Affected: yes.

PreventionGenetics, part of Exact Sciences
Classification: Benign for MAN1B1-related condition. Last evaluated: 2019-09-24. Review status: no assertion criteria provided. Collection method: clinical testing. Allele origin: germline. Not counted in ClinVar's aggregate classification.
Comment: This variant is classified as benign based on ACMG/AMP sequence variant interpretation guidelines (Richards et al. 2015 PMID: 25741868, with internal and published modifications).